The following is an entry in ClinVar:

NM_206933.4(USH2A):c.1726_1729dup (p.Cys577fs)

Gene: USH2A (usherin; minus strand). Cytogenetic location: 1q41.
Variant type: Duplication.
Coding change: c.1726_1729dup on transcript NM_206933.4 (MANE Select); coding-DNA positions 1726 to 1729, 4 bases duplicated (CAAT; older notation c.1726_1729dupCAAT).
Protein change: p.Cys577fs; shifts the reading frame from cysteine 577.
Molecular consequence: frameshift variant.
Genome position (GRCh38, 1-based): chr1:216,292,286-216,292,289, ATTG duplicated on the plus strand (CAAT on the coding strand, the reverse complement: USH2A is on the minus strand); duplicating any 4 consecutive bases within chr1:216,292,286-216,292,290 gives the same sequence; the c. name uses the placement nearest the transcript's 3' end. VCF-style (leftmost placement, unchanged base first): chr1-216292285-C-CATTG. GRCh37 (hg19) VCF-style: chr1-216465627-C-CATTG.
Other names: c.1726_1729dup, p.Cys577fs (NM_007123.6); short protein forms C577fs.
Identifiers: ClinVar variation 5015081 (VCV005015081.1).

ClinVar aggregate classification (germline): Pathogenic (1 of 4 stars; one submission).

Conditions:
USH2A-related disorder. Also called: USH2A-related condition; USH2A-related disorders. Identifiers: MedGen CN239332.

Submission:

Myriad Genetics, Inc.
Classification: Pathogenic for USH2A-related disorder. Last evaluated: 2025-10-12. Review status: criteria provided, single submitter. Criteria: Myriad Autosomal Dominant, Autosomal Recessive and X-Linked Classification Criteria (2023). Collection method: clinical testing. Allele origin: unknown.
Comment: NM_206933.2(USH2A):c.1726_1729dupCAAT(C577Sfs*21) is expected to be pathogenic in the context of USH2A-related disorders. This variant is predicted to lead to an abnormal or absent protein product due to the creation of a premature termination codon in USH2A, a gene where loss-of-function variants are known to be pathogenic. Please note: this variant was assessed in the context of healthy population screening.